The following is an entry in ClinVar:

ClinVar aggregate classification (germline): Likely benign (0 of 4 stars; one submission).

Conditions:
SLC51A-related disorder. Also called: SLC51A-related condition.

gnomAD v4.1: 25 of 1,612,654 alleles (0.0016%); highest among the groups gnomAD compares: Middle Eastern, 0.082%; no homozygotes.

Submission:

PreventionGenetics, part of Exact Sciences
Classification: Likely benign for SLC51A-related condition. Last evaluated: 2024-05-01. Review status: no assertion criteria provided. Collection method: clinical testing. Allele origin: germline.
Comment: This variant is classified as likely benign based on ACMG/AMP sequence variant interpretation guidelines (Richards et al. 2015 PMID: 25741868, with internal and published modifications).

NM_152672.6(SLC51A):c.39-5G>A

Gene: SLC51A (solute carrier family 51 member A; plus strand). Cytogenetic location: 3q29.
Variant type: single nucleotide variant.
Coding change: c.39-5G>A on transcript NM_152672.6 (MANE Select); 5 bases into the intron before coding-DNA position 39, G replaced by A.
Molecular consequence: intron variant.
Genome position (GRCh38, 1-based): chr3:196,217,837, G>A. VCF-style: chr3-196217837-G-A. GRCh37 (hg19) VCF-style: chr3-195944708-G-A.
Identifiers: ClinVar variation 3357275 (VCV003357275.1).
Genomic context (GRCh38, chr3:196,217,837, plus strand): 5'-CAGTGTGCAACCCTCCCCCTTCCCCCAGCCCCCATGGTTCTGAGCACAGGCTGGTGTCTC[G>A]CCAGGTACACAGCAGATCTTCTGGAGGTGCTGAAGACCAATTACGGCATCCCCTCCGCCT-3'